The following is an entry in ClinVar:

NM_001130987.2(DYSF):c.5060A>G (p.Tyr1687Cys)

Gene: DYSF (dysferlin; plus strand). Cytogenetic location: 2p13.2.
Variant type: single nucleotide variant.
Coding change: c.5060A>G on transcript NM_001130987.2 (MANE Select); coding-DNA position 5060, A replaced by G.
Protein change: p.Tyr1687Cys; replaces tyrosine 1687 with cysteine.
Molecular consequence: missense variant.
Genome position (GRCh38, 1-based): chr2:71,664,324, A>G. VCF-style: chr2-71664324-A-G. GRCh37 (hg19) VCF-style: chr2-71891454-A-G.
Other names: c.4946A>G, p.Tyr1649Cys (NM_001130455.2); c.4901A>G, p.Tyr1634Cys (NM_001130976.2); c.4964A>G, p.Tyr1655Cys (NM_001130977.2); c.5006A>G, p.Tyr1669Cys (NM_001130978.2); c.5036A>G, p.Tyr1679Cys (NM_001130979.2); c.4994A>G, p.Tyr1665Cys (NM_001130980.2); c.5057A>G, p.Tyr1686Cys (NM_001130981.2); c.5039A>G, p.Tyr1680Cys (NM_001130982.2); and 5 more; short protein forms Y1648C, Y1687C, Y1635C, Y1679C, Y1680C, Y1634C, Y1655C, Y1656C.
Identifiers: ClinVar variation 497674 (VCV000497674.19), dbSNP rs1553412643, ClinGen allele CA347220291.

ClinVar aggregate classification (germline): Conflicting classifications of pathogenicity. Review status: criteria provided, conflicting classifications (1 of 4 stars). 5 submissions from 5 submitters: Likely pathogenic (1); Uncertain significance (4). Last evaluated 2025-10-02.

Conditions:
Neuromuscular disease caused by qualitative or quantitative defects of dysferlin. Also called: Dysferlinopathy; Qualitative or quantitative defects of dysferlin. Identifiers: Orphanet 207073, MedGen C2931687, MONDO:0016145.

Allele frequency attached by ClinVar (database versions not stated): gnomAD exomes 0.00001.
gnomAD v4.1: 17 of 1,614,150 alleles (0.0011%); highest among the groups gnomAD compares: Non-Finnish European, 0.0014%; no homozygotes.

Submissions (5):

Labcorp Genetics (formerly Invitae), Labcorp
Classification: Uncertain significance for Neuromuscular disease caused by qualitative or quantitative defects of dysferlin. Last evaluated: 2025-10-02. Review status: criteria provided, single submitter. Criteria: Invitae Variant Classification Sherloc (09022015). Collection method: clinical testing. Allele origin: germline.
Comment: This sequence change replaces tyrosine, which is neutral and polar, with cysteine, which is neutral and slightly polar, at codon 1648 of the DYSF protein (p.Tyr1648Cys). This variant is not present in population databases (gnomAD no frequency). This missense change has been observed in individual(s) with DYSF-related conditions (PMID: 18832576). ClinVar contains an entry for this variant (Variation ID: 497674). Invitae Evidence Modeling of protein sequence and biophysical properties (such as structural, functional, and spatial information, amino acid conservation, physicochemical variation, residue mobility, and thermodynamic stability) has been performed for this missense variant. However, the output from this modeling did not meet the statistical confidence thresholds required to predict the impact of this variant on DYSF protein function. In summary, the available evidence is currently insufficient to determine the role of this variant in disease. Therefore, it has been classified as a Variant of Uncertain Significance.

Athena Diagnostics
Classification: Uncertain significance. Last evaluated: 2025-09-03. Review status: criteria provided, single submitter. Criteria: Athena Diagnostics Criteria. Collection method: clinical testing. Allele origin: unknown.
Comment: Available data are insufficient to determine the clinical significance of the variant at this time. This variant has not been reported in large, multi-ethnic general populations. This variant has been identified in at least one individual with clinical features associated with this gene. Polyphen and MutationTaster predict this amino acid change may be damaging to the protein.

Revvity Omics, Revvity
Classification: Uncertain significance. Last evaluated: 2023-12-04. Review status: criteria provided, single submitter. Criteria: ACMG Guidelines, 2015. Collection method: clinical testing. Allele origin: germline.

GeneDx
Classification: Likely pathogenic. Last evaluated: 2019-09-27. Review status: criteria provided, single submitter. Criteria: GeneDx Variant Classification Process June 2021. Collection method: clinical testing. Allele origin: germline. Affected: yes.
Comment: Not observed in large population cohorts (Lek et al., 2016); In silico analysis, which includes protein predictors and evolutionary conservation, supports a deleterious effect; This variant is associated with the following publications: (PMID: 18832576)

Eurofins Ntd Llc (ga)
Classification: Uncertain significance. Last evaluated: 2016-10-10. Review status: criteria provided, single submitter. Criteria: EGL Classification Definitions 2015. Collection method: clinical testing. Allele origin: germline. Observed: 2 variant alleles, 1 heterozygote, 1 homozygote.

Literature cited by the submitters: PubMed 18832576 (cited by Labcorp Genetics (formerly Invitae), Labcorp and Athena Diagnostics).